The following is an entry in ClinVar:

NM_000552.5(VWF):c.1470G>C (p.Val490=)

Gene: VWF (von Willebrand factor; minus strand). Cytogenetic location: 12p13.31.
Variant type: single nucleotide variant.
Coding change: c.1470G>C on transcript NM_000552.5 (MANE Select); coding-DNA position 1470, G replaced by C.
Protein change: p.Val490=; no amino-acid change (valine 490 retained).
Molecular consequence: synonymous variant.
Genome position (GRCh38, 1-based): chr12:6,063,017, C>G on the plus strand (G>C on the coding strand, the complement: VWF is on the minus strand). VCF-style: chr12-6063017-C-G. GRCh37 (hg19) VCF-style: chr12-6172183-C-G.
Other names: c.1470G>C (NM_000552.4, NM_000552.3).
Identifiers: ClinVar variation 3374928 (VCV003374928.4).
Genomic context (GRCh38, chr12:6,063,017, plus strand): 5'-CACCAGCAGCCTCCCGCGGCCATCCCAGTCCATCTGCAGGTCCTCCCCGTAGCTGAGGCG[C>G]ACGGAGGCCGTCACTGTATGCTGGATGCGGAGGTCACCTGGAACCCAGCAGGACAGGACT-3'
Protein context (NP_000543.3, residues 480-500): LRIQHTVTAS[Val490=]RLSYGEDLQM

ClinVar aggregate classification (germline): Likely benign. Review status: criteria provided, multiple submitters, no conflicts (2 of 4 stars). 4 submissions from 4 submitters: Likely benign (4). Last evaluated 2026-05-28.

Conditions:
Inborn genetic diseases. Identifiers: MedGen C0950123, MeSH D030342.
VWF-related disorder. Also called: VWF-related disorders; VWF-related condition.

gnomAD v4.1: 52 of 1,613,760 alleles (0.0032%); highest among the groups gnomAD compares: East Asian, 0.1%; no homozygotes.

Submissions (4):

PreventionGenetics, part of Exact Sciences
Classification: Likely benign for VWF-related condition. Last evaluated: 2026-05-28. Review status: criteria provided, single submitter. Criteria: ACMG Guidelines, 2015. Collection method: clinical testing. Allele origin: germline.
Comment: This variant is classified as likely benign based on ACMG/AMP sequence variant interpretation guidelines (Richards et al. 2015 PMID: 25741868, with internal and published modifications).

Ambry Genetics
Classification: Likely benign for Inborn genetic diseases. Last evaluated: 2025-04-30. Review status: criteria provided, single submitter. Criteria: Ambry Variant Classification Scheme 2023. Collection method: clinical testing. Allele origin: germline.

Women's Health and Genetics/Laboratory Corporation of America, LabCorp
Classification: Likely benign. Last evaluated: 2024-09-10. Review status: criteria provided, single submitter. Criteria: LabCorp Variant Classification Summary - May 2015. Collection method: clinical testing. Allele origin: germline.

Blueprint Genetics
Classification: Likely benign. Last evaluated: 2023-10-18. Review status: criteria provided, single submitter. Criteria: ACMG Guidelines, 2015. Collection method: clinical testing. Allele origin: germline.